The following is an entry in ClinVar:

ClinVar aggregate classification (germline): Uncertain significance. Review status: criteria provided, multiple submitters, no conflicts (2 of 4 stars). 4 submissions from 4 submitters: Uncertain significance (4). Last evaluated 2025-07-10.

Conditions:
Inborn genetic diseases. Identifiers: MedGen C0950123, MeSH D030342.
CUBN-related disorder. Also called: CUBN-related condition.
Proteinuria, chronic benign. Identifiers: MedGen C5394384, MONDO:0030042, OMIM 618884.
Imerslund-Grasbeck syndrome type 1 (IGS1). Also called: MEGALOBLASTIC ANEMIA, 1; Imerslund-Gräsbeck syndrome 1; Megaloblastic anemia 1, Finnish type. Identifiers: MedGen C4016819, MONDO:0100156, OMIM 261100.

gnomAD v4.1: 126 of 1,613,754 alleles (0.0078%); highest among the groups gnomAD compares: Non-Finnish European, 0.01%; no homozygotes.

Submissions (4):

PreventionGenetics, part of Exact Sciences
Classification: Uncertain significance for CUBN-related condition. Last evaluated: 2025-07-10. Review status: criteria provided, single submitter. Criteria: ACMG Guidelines, 2015. Collection method: clinical testing. Allele origin: germline.
Comment: The CUBN c.6145C>A variant is predicted to result in the amino acid substitution p.Gln2049Lys. To our knowledge, this variant has not been reported in the literature. This variant is reported in 0.0079% of alleles in individuals of European (Non-Finnish) descent in gnomAD. At this time, the clinical significance of this variant is uncertain due to the absence of conclusive functional and genetic evidence.

Ambry Genetics
Classification: Uncertain significance for Inborn genetic diseases. Last evaluated: 2024-09-02. Review status: criteria provided, single submitter. Criteria: Ambry Variant Classification Scheme 2023. Collection method: clinical testing. Allele origin: germline.

Fulgent Genetics
Classification: Uncertain significance for Imerslund-Grasbeck syndrome type 1; Proteinuria, chronic benign. Last evaluated: 2024-02-07. Review status: criteria provided, single submitter. Criteria: ACMG Guidelines, 2015. Collection method: clinical testing. Allele origin: germline.

Illumina Laboratory Services, Illumina
Classification: Uncertain significance for Imerslund-Grasbeck syndrome type 1. Last evaluated: 2018-01-17. Review status: criteria provided, single submitter. Criteria: ICSL Variant Classification Criteria 13 December 2019. Collection method: clinical testing. Allele origin: germline.

NM_001081.4(CUBN):c.6145C>A (p.Gln2049Lys)

Gene: CUBN (cubilin; minus strand). Cytogenetic location: 10p13.
Variant type: single nucleotide variant.
Coding change: c.6145C>A on transcript NM_001081.4 (MANE Select); coding-DNA position 6145, C replaced by A.
Protein change: p.Gln2049Lys; replaces glutamine 2049 with lysine.
Molecular consequence: missense variant.
Genome position (GRCh38, 1-based): chr10:16,928,283, G>T on the plus strand (C>A on the coding strand, the complement: CUBN is on the minus strand). VCF-style: chr10-16928283-G-T. GRCh37 (hg19) VCF-style: chr10-16970282-G-T.
Other names: short protein forms Q2049K.
Identifiers: ClinVar variation 880266 (VCV000880266.9), dbSNP rs141319759, ClinGen allele CA5423784.